The following is an entry in ClinVar:

ClinVar aggregate classification (germline): Likely benign (1 of 4 stars; one submission).

Submission:

GeneDx
Classification: Likely benign. Last evaluated: 2022-02-16. Review status: criteria provided, single submitter. Criteria: GeneDx Variant Classification Process June 2021. Collection method: clinical testing. Allele origin: germline. Affected: yes.
Comment: See Variant Classification Assertion Criteria.

NM_004984.4(KIF5A):c.714+58_714+60dup

Gene: KIF5A (kinesin family member 5A; plus strand). Cytogenetic location: 12q13.3.
Variant type: Duplication.
Coding change: c.714+58_714+60dup on transcript NM_004984.4 (MANE Select); bases 58 to 60 of the intron after coding-DNA position 714, 3 bases duplicated (TTT; older notation c.714+58_714+60dupTTT).
Molecular consequence: intron variant.
Genome position (GRCh38, 1-based): chr12:57,567,676-57,567,678, TTT duplicated; duplicating any 3 consecutive bases within chr12:57,567,662-57,567,678 gives the same sequence; the c. name uses the placement nearest the transcript's 3' end. VCF-style (leftmost placement, unchanged base first): chr12-57567661-C-CTTT. GRCh37 (hg19) VCF-style: chr12-57961444-C-CTTT.
Other names: c.447+58_447+60dup (NM_001354705.2).
Identifiers: ClinVar variation 1702751 (VCV001702751.2), dbSNP rs371727146, ClinGen allele CA6652662.
Genomic context (GRCh38, chr12:57,567,661, plus strand): 5'-CTGGCAGGGAGTGAGAAGGTAGGGGGTCCTGTGGATATGGGGTGGGTGGAAGCCTTGGCT[C>CTTT]TTTTTTTTTTTTTTTTTGAGACAGAGTCTCACTCTGTCGCCCGGGCTGGTTTGCAGTGGC-3'